The following is an entry in ClinVar:

NM_017534.6(MYH2):c.5765A>G (p.Gln1922Arg)

Genes: MYH2 (myosin heavy chain 2; minus strand), MYHAS (myosin heavy chain gene cluster antisense RNA; plus strand). Cytogenetic location: 17p13.1.
Variant type: single nucleotide variant.
Coding change: c.5765A>G on transcript NM_017534.6 (MANE Select); coding-DNA position 5765, A replaced by G.
Protein change: p.Gln1922Arg; replaces glutamine 1922 with arginine.
Molecular consequence: missense variant.
Genome position (GRCh38, 1-based): chr17:10,521,341, T>C on the plus strand (A>G on the coding strand, the complement: MYH2 is on the minus strand). VCF-style: chr17-10521341-T-C. GRCh37 (hg19) VCF-style: chr17-10424658-T-C.
Other names: c.5765A>G, p.Gln1922Arg (NM_001100112.2); short protein forms Q1922R.
Identifiers: ClinVar variation 842620 (VCV000842620.7), dbSNP rs1350620712, ClinGen allele CA398110133.

ClinVar aggregate classification (germline): Uncertain significance (1 of 4 stars; one submission).

Conditions:
Myopathy, proximal, and ophthalmoplegia (CMYO6). Also called: INCLUSION BODY MYOPATHY 3, AUTOSOMAL DOMINANT; MYOPATHY WITH CONGENITAL JOINT CONTRACTURES, OPHTHALMOPLEGIA, AND RIMMED VACUOLES; CONGENITAL MYOPATHY 6 WITH OPHTHALMOPLEGIA. Identifiers: Orphanet 363677, Orphanet 79091, MedGen C1854106, MONDO:0011577, OMIM 605637.

Allele frequency attached by ClinVar (database versions not stated): gnomAD exomes below 0.00001 and 0.00001; gnomAD 0.00001; TOPMed 0.00001.
gnomAD v4.1: 21 of 1,614,080 alleles (0.0013%); highest among the groups gnomAD compares: Non-Finnish European, 0.0018%; no homozygotes.

Submission:

Labcorp Genetics (formerly Invitae), Labcorp
Classification: Uncertain significance for Myopathy, proximal, and ophthalmoplegia. Last evaluated: 2024-06-02. Review status: criteria provided, single submitter. Criteria: Invitae Variant Classification Sherloc (09022015). Collection method: clinical testing. Allele origin: germline.
Comment: This sequence change replaces glutamine, which is neutral and polar, with arginine, which is basic and polar, at codon 1922 of the MYH2 protein (p.Gln1922Arg). This variant is present in population databases (no rsID available, gnomAD 0.0009%). This variant has not been reported in the literature in individuals affected with MYH2-related conditions. ClinVar contains an entry for this variant (Variation ID: 842620). Advanced modeling of protein sequence and biophysical properties (such as structural, functional, and spatial information, amino acid conservation, physicochemical variation, residue mobility, and thermodynamic stability) performed at Invitae indicates that this missense variant is expected to disrupt MYH2 protein function with a positive predictive value of 80%. In summary, the available evidence is currently insufficient to determine the role of this variant in disease. Therefore, it has been classified as a Variant of Uncertain Significance.